The following is an entry in ClinVar:

ClinVar aggregate classification (germline): Likely benign. Review status: criteria provided, multiple submitters, no conflicts (2 of 4 stars). 2 submissions from 2 submitters: Likely benign (2). Last evaluated 2026-06-01.

Allele frequency attached by ClinVar (database versions not stated): 1000 Genomes Project 30x 0.00125; 1000 Genomes Project 0.00140; ExAC 0.00243; gnomAD 0.00250; TOPMed 0.00285; ESP Exome Variant Server 0.00315.
gnomAD v4.1: 4,896 of 1,613,782 alleles (0.3%); highest among the groups gnomAD compares: Middle Eastern, 1.9%; 13 homozygotes.

Submissions (2):

CeGaT Center for Human Genetics Tuebingen
Classification: Likely benign. Last evaluated: 2026-06-01. Review status: criteria provided, single submitter. Criteria: CeGaT Center For Human Genetics Tuebingen Variant Classification Criteria Version 2. Collection method: clinical testing. Allele origin: germline. Affected: yes. Observed: 13 variant alleles.
Comment: PCYT2: BP4, BS2

Blueprint Genetics
Classification: Likely benign. Last evaluated: 2024-11-25. Review status: criteria provided, single submitter. Criteria: ACMG Guidelines, 2015. Collection method: clinical testing. Allele origin: germline.

NM_002861.5(PCYT2):c.120C>T (p.Asn40=)

Gene: PCYT2 (phosphate cytidylyltransferase 2, ethanolamine; minus strand). Cytogenetic location: 17q25.3.
Variant type: single nucleotide variant.
Coding change: c.120C>T on transcript NM_002861.5 (MANE Select); coding-DNA position 120, C replaced by T.
Protein change: p.Asn40=; no amino-acid change (asparagine 40 retained).
Molecular consequence: synonymous variant. On other transcripts: 5 prime UTR variant (3).
Genome position (GRCh38, 1-based): chr17:81,909,572, G>A on the plus strand (C>T on the coding strand, the complement: PCYT2 is on the minus strand). VCF-style: chr17-81909572-G-A. GRCh37 (hg19) VCF-style: chr17-79867448-G-A.
Other names: c.120C>T, p.Asn40= (NM_001184917.3, NM_001256433.3, NM_001330518.2); c.-56C>T (NM_001256434.3); c.-399C>T (NM_001256435.3, NM_001282203.2); c.24C>T, p.Asn8= (NM_001282204.2).
Identifiers: ClinVar variation 2648473 (VCV002648473.25), dbSNP rs139109597, ClinGen allele CA8844505.